The following is an entry in ClinVar:

NM_000059.4(BRCA2):c.4750G>C (p.Glu1584Gln)

Gene: BRCA2 (BRCA2 DNA repair associated; plus strand). Cytogenetic location: 13q13.1.
Variant type: single nucleotide variant.
Coding change: c.4750G>C on transcript NM_000059.4 (MANE Select); coding-DNA position 4750, G replaced by C.
Protein change: p.Glu1584Gln; replaces glutamic acid 1584 with glutamine.
Molecular consequence: missense variant.
Genome position (GRCh38, 1-based): chr13:32,339,105, G>C. VCF-style: chr13-32339105-G-C. GRCh37 (hg19) VCF-style: chr13-32913242-G-C.
Other names: short protein forms E1584Q.
Identifiers: ClinVar variation 844845 (VCV000844845.11), dbSNP rs745632282, ClinGen allele CA247508355.

ClinVar aggregate classification (germline): Conflicting classifications of pathogenicity. Review status: criteria provided, conflicting classifications (1 of 4 stars). 2 submissions from 2 submitters: Uncertain significance (1); Likely benign (1). Last evaluated 2025-03-11.

Conditions:
Hereditary breast ovarian cancer syndrome. Also called: Breast and ovarian cancer; Hereditary breast and ovarian cancer; Hereditary breast and/or ovarian cancer syndrome; BRCA1- and BRCA2-Associated Hereditary Breast and Ovarian Cancer; Hereditary breast and ovarian cancer syndrome; Hereditary breast and ovarian cancer syndrome (HBOC). Identifiers: Orphanet 145, MedGen C0677776, MeSH D061325, MONDO:0003582. Disease mechanism: loss of function.
Hereditary cancer-predisposing syndrome. Also called: Tumor predisposition; Hereditary neoplastic syndrome; Neoplastic Syndromes, Hereditary; Hereditary Cancer Syndrome. Identifiers: Orphanet 140162, MedGen C0027672, MeSH D009386, MONDO:0015356.

Submissions (2):

Labcorp Genetics (formerly Invitae), Labcorp
Classification: Uncertain significance for Hereditary breast ovarian cancer syndrome. Last evaluated: 2025-03-11. Review status: criteria provided, single submitter. Criteria: Invitae Variant Classification Sherloc (09022015). Collection method: clinical testing. Allele origin: germline.
Comment: This sequence change replaces glutamic acid, which is acidic and polar, with glutamine, which is neutral and polar, at codon 1584 of the BRCA2 protein (p.Glu1584Gln). This variant is not present in population databases (gnomAD no frequency). This variant has not been reported in the literature in individuals affected with BRCA2-related conditions. ClinVar contains an entry for this variant (Variation ID: 844845). Invitae Evidence Modeling of protein sequence and biophysical properties (such as structural, functional, and spatial information, amino acid conservation, physicochemical variation, residue mobility, and thermodynamic stability) indicates that this missense variant is not expected to disrupt BRCA2 protein function with a negative predictive value of 95%. In summary, the available evidence is currently insufficient to determine the role of this variant in disease. Therefore, it has been classified as a Variant of Uncertain Significance.

University of Washington Department of Laboratory Medicine, University of Washington
Classification: Likely benign for Hereditary cancer-predisposing syndrome. Last evaluated: 2023-03-23. Review status: criteria provided, single submitter. Criteria: Dines et al. (Genet Med. 2020). Collection method: curation. Allele origin: germline.
Comment: Missense variant in a coldspot region where missense variants are very unlikely to be pathogenic (PMID:31911673).

BRCA2 exon 11 coldspot. Reclassification based on statistical prior probability.